The following is an entry in ClinVar:

NM_004366.6(CLCN2):c.682G>A (p.Gly228Ser)

Gene: CLCN2 (chloride voltage-gated channel 2; minus strand). Cytogenetic location: 3q27.1.
Variant type: single nucleotide variant.
Coding change: c.682G>A on transcript NM_004366.6 (MANE Select); coding-DNA position 682, G replaced by A.
Protein change: p.Gly228Ser; replaces glycine 228 with serine.
Molecular consequence: missense variant.
Genome position (GRCh38, 1-based): chr3:184,357,790, C>T on the plus strand (G>A on the coding strand, the complement: CLCN2 is on the minus strand). VCF-style: chr3-184357790-C-T. GRCh37 (hg19) VCF-style: chr3-184075578-C-T.
Other names: c.682G>A, p.Gly228Ser (NM_001171087.3, NM_001171089.3); c.550G>A, p.Gly184Ser (NM_001171088.3); short protein forms G184S, G228S.
Identifiers: ClinVar variation 2099604 (VCV002099604.4), dbSNP rs1166252694, ClinGen allele CA355456137.

ClinVar aggregate classification (germline): Uncertain significance (1 of 4 stars; one submission).

Submission:

Labcorp Genetics (formerly Invitae), Labcorp
Classification: Uncertain significance. Last evaluated: 2024-10-16. Review status: criteria provided, single submitter. Criteria: Invitae Variant Classification Sherloc (09022015). Collection method: clinical testing. Allele origin: germline.
Comment: This sequence change replaces glycine, which is neutral and non-polar, with serine, which is neutral and polar, at codon 228 of the CLCN2 protein (p.Gly228Ser). This variant is present in population databases (no rsID available, gnomAD 0.003%). This variant has not been reported in the literature in individuals affected with CLCN2-related conditions. ClinVar contains an entry for this variant (Variation ID: 2099604). Invitae Evidence Modeling of protein sequence and biophysical properties (such as structural, functional, and spatial information, amino acid conservation, physicochemical variation, residue mobility, and thermodynamic stability) indicates that this missense variant is not expected to disrupt CLCN2 protein function with a negative predictive value of 80%. In summary, the available evidence is currently insufficient to determine the role of this variant in disease. Therefore, it has been classified as a Variant of Uncertain Significance.